The following is an entry in ClinVar:

NM_007294.4(BRCA1):c.5193+1602A>G

Gene: BRCA1 (BRCA1 DNA repair associated; minus strand). Cytogenetic location: 17q21.31.
Variant type: single nucleotide variant.
Coding change: c.5193+1602A>G on transcript NM_007294.4 (MANE Select); 1602 bases into the intron after coding-DNA position 5193, A replaced by G.
Molecular consequence: intron variant.
Genome position (GRCh38, 1-based): chr17:43,061,731, T>C on the plus strand (A>G on the coding strand, the complement: BRCA1 is on the minus strand). VCF-style: chr17-43061731-T-C. GRCh37 (hg19) VCF-style: chr17-41213748-T-C.
Other names: IVS 19+1602A>G; c.1740+1602A>G (NM_001408458.1, NM_001408461.1, NM_001408464.1 and 7 more transcripts); c.4302+1602A>G (NM_001407967.1); c.4812+1602A>G (NM_001407959.1); c.4926+1602A>G (NM_001407931.1, NM_001407932.1, NM_001407928.1 and 4 more transcripts); c.5049+1602A>G (NM_001407747.1, NM_001407745.1, NM_001407737.1 and 21 more transcripts); c.4809+1602A>G (NM_001407962.1, NM_001407960.1); c.1380+1602A>G (NM_001408512.1); and 73 more.
Identifiers: ClinVar variation 209315 (VCV000209315.3), dbSNP rs8176267, ClinGen allele CA276287.
Genomic context (GRCh38, chr17:43,061,731, plus strand): 5'-CTCCCGGGTTCAAGTGATTCTCCTGCCTCAGCCTCCCCAGCAGCTAGGATTACAGGCACA[T>C]GCCACCACGCTCGACTAATTTTTTTGTGTTTTTAGTAGAGACAAGGTTTCACCATGTTGA-3'

ClinVar aggregate classification (germline): Benign. Review status: reviewed by expert panel (3 of 4 stars). 2 submissions from 2 submitters: Benign (1). 1 of the submissions does not count toward it. Last evaluated 2015-01-12.

Conditions:
Breast-ovarian cancer, familial, susceptibility to, 1 (BROVCA1). Also called: BRCA1 Hereditary Breast and Ovarian Cancer; OVARIAN CANCER, SUSCEPTIBILITY TO. Identifiers: Orphanet 145, MedGen C2676676, MONDO:0011450, OMIM 604370. Disease mechanism: loss of function.

Allele frequency attached by ClinVar (database versions not stated): 1000 Genomes Project 0.08067; 1000 Genomes Project 30x 0.08542; TOPMed 0.14422; gnomAD 0.14518 and 0.14859.
gnomAD v4.1: 22,127 of 152,006 alleles (15%); highest among the groups gnomAD compares: Admixed American, 24%; 2,285 homozygotes.

Submissions (2):

Evidence-based Network for the Interpretation of Germline Mutant Alleles (ENIGMA)
Classification: Benign for Breast-ovarian cancer, familial 1. Last evaluated: 2015-01-12. Review status: reviewed by expert panel. Criteria: ENIGMA BRCA1/2 Classification Criteria (2015). Collection method: curation. Allele origin: germline.
Comment: Class 1 not pathogenic based on frequency >1% in an outbred sampleset. Frequency 0.02033 (African), 0.1715 (European), derived from 1000 genomes (2012-04-30).

Breakthrough Genomics
Classification: Benign. Review status: criteria provided, single submitter. Criteria: ACMG Guidelines, 2015. Collection method: not provided. Allele origin: germline. Inheritance: Autosomal recessive inheritance. Affected: yes. Not counted in ClinVar's aggregate classification.